The following is an entry in ClinVar:

ClinVar aggregate classification (germline): Uncertain significance (1 of 4 stars; one submission).

Conditions:
Muscular dystrophy-dystroglycanopathy (congenital with brain and eye anomalies), type A2. Also called: MUSCULAR DYSTROPHY-DYSTROGLYCANOPATHY (CONGENITAL WITH BRAIN AND EYE ANOMALIES), TYPE A, 2; WALKER-WARBURG SYNDROME OR MUSCLE-EYE-BRAIN DISEASE, POMT2-RELATED. Identifiers: Orphanet 588, Orphanet 899, MedGen C3150411, MONDO:0013154, OMIM 613150.
Muscular dystrophy-dystroglycanopathy (congenital with impaired intellectual development), type B, 2. Also called: MUSCULAR DYSTROPHY, CONGENITAL, POMT2-RELATED; Muscular dystrophy-dystroglycanopathy (congenital with intellectual disability), type B2. Identifiers: MedGen C3150416, MONDO:0013160, OMIM 613156.
Autosomal recessive limb-girdle muscular dystrophy type 2N. Also called: MUSCULAR DYSTROPHY-DYSTROGLYCANOPATHY, LIMB-GIRDLE, POMT2-RELATED; Muscular dystrophy-dystroglycanopathy (limb-girdle), type C, 2. Identifiers: Orphanet 206559, MedGen C3150418, MONDO:0013162, OMIM 613158.

Submission:

Labcorp Genetics (formerly Invitae), Labcorp
Classification: Uncertain significance for Muscular dystrophy-dystroglycanopathy (congenital with impaired intellectual development), type B, 2; Muscular dystrophy-dystroglycanopathy (congenital with brain and eye anomalies), type A2; Autosomal recessive limb-girdle muscular dystrophy type 2N. Last evaluated: 2019-03-26. Review status: criteria provided, single submitter. Criteria: Invitae Variant Classification Sherloc (09022015). Collection method: clinical testing. Allele origin: germline.
Comment: Algorithms developed to predict the effect of missense changes on protein structure and function (SIFT, PolyPhen-2, Align-GVGD) all suggest that this variant is likely to be tolerated, but these predictions have not been confirmed by published functional studies and their clinical significance is uncertain. This variant has not been reported in the literature in individuals with POMT2-related conditions. This variant is not present in population databases (ExAC no frequency). In summary, the available evidence is currently insufficient to determine the role of this variant in disease. Therefore, it has been classified as a Variant of Uncertain Significance. This sequence change replaces asparagine with isoleucine at codon 256 of the POMT2 protein (p.Asn256Ile). The asparagine residue is highly conserved and there is a large physicochemical difference between asparagine and isoleucine.

NM_013382.7(POMT2):c.767A>T (p.Asn256Ile)

Gene: POMT2 (protein O-mannosyltransferase 2; minus strand). Cytogenetic location: 14q24.3.
Variant type: single nucleotide variant.
Coding change: c.767A>T on transcript NM_013382.7 (MANE Select); coding-DNA position 767, A replaced by T.
Protein change: p.Asn256Ile; replaces asparagine 256 with isoleucine.
Molecular consequence: missense variant.
Genome position (GRCh38, 1-based): chr14:77,301,139, T>A on the plus strand (A>T on the coding strand, the complement: POMT2 is on the minus strand). VCF-style: chr14-77301139-T-A. GRCh37 (hg19) VCF-style: chr14-77767482-T-A.
Other names: short protein forms N256I.
Identifiers: ClinVar variation 851201 (VCV000851201.10), dbSNP rs1891021273, ClinGen allele CA390520178.